The following is an entry in ClinVar:

NM_000088.4(COL1A1):c.3677A>G (p.Asp1226Gly)

Gene: COL1A1 (collagen type I alpha 1 chain; minus strand). Cytogenetic location: 17q21.33.
Variant type: single nucleotide variant.
Coding change: c.3677A>G on transcript NM_000088.4 (MANE Select); coding-DNA position 3677, A replaced by G.
Protein change: p.Asp1226Gly; replaces aspartic acid 1226 with glycine.
Molecular consequence: missense variant.
Genome position (GRCh38, 1-based): chr17:50,186,777, T>C on the plus strand (A>G on the coding strand, the complement: COL1A1 is on the minus strand). VCF-style: chr17-50186777-T-C. GRCh37 (hg19) VCF-style: chr17-48264138-T-C.
Other names: short protein forms D1226G.
Identifiers: ClinVar variation 1981611 (VCV001981611.5), dbSNP rs1319157667, ClinGen allele CA400197195.

ClinVar aggregate classification (germline): Conflicting classifications of pathogenicity. Review status: criteria provided, conflicting classifications (1 of 4 stars). 2 submissions from 2 submitters: Uncertain significance (1); Likely benign (1). Last evaluated 2025-01-27.

Conditions:
Osteogenesis imperfecta type I (OI1). Also called: Osteogenesis imperfecta type 1; Classic Non-deforming Osteogenesis Imperfecta with Blue Sclerae; OI, TYPE I; OSTEOGENESIS IMPERFECTA TARDA; OSTEOGENESIS IMPERFECTA WITH BLUE SCLERAE; Lobstein's Disease. Identifiers: Orphanet 216796, Orphanet 666, MedGen C0023931, MONDO:0008146, OMIM 166200. Disease mechanism: loss of function.

Allele frequency attached by ClinVar (database versions not stated): gnomAD exomes below 0.00001; TOPMed below 0.00001; gnomAD 0.00001.
gnomAD v4.1: 5 of 1,613,948 alleles (0.00031%); highest among the groups gnomAD compares: Non-Finnish European, 0.00034%; no homozygotes.

Submissions (2):

Labcorp Genetics (formerly Invitae), Labcorp
Classification: Likely benign for Osteogenesis imperfecta type I. Last evaluated: 2025-01-27. Review status: criteria provided, single submitter. Criteria: Invitae Variant Classification Sherloc (09022015). Collection method: clinical testing. Allele origin: germline.

GeneDx
Classification: Uncertain significance. Last evaluated: 2022-09-21. Review status: criteria provided, single submitter. Criteria: GeneDx Variant Classification Process June 2021. Collection method: clinical testing. Allele origin: germline. Affected: yes.
Comment: Not observed at significant frequency in large population cohorts (gnomAD); In silico analysis supports that this missense variant does not alter protein structure/function; Has not been previously published as pathogenic or benign to our knowledge; Not located in the triple helical region, where the majority of pathogenic missense variants occur (HGMD)